The following is an entry in ClinVar:

ClinVar aggregate classification (germline): Conflicting classifications of pathogenicity. Review status: criteria provided, conflicting classifications (1 of 4 stars). 7 submissions from 7 submitters: Uncertain significance (6); Likely benign (1). Last evaluated 2026-01-05.

Conditions:
Hereditary cancer-predisposing syndrome. Also called: Neoplastic Syndromes, Hereditary; Hereditary neoplastic syndrome; Tumor predisposition; Hereditary Cancer Syndrome. Identifiers: Orphanet 140162, MedGen C0027672, MeSH D009386, MONDO:0015356.
Hereditary nonpolyposis colorectal neoplasms. Identifiers: MedGen C0009405, MeSH D003123.
Lynch syndrome. Identifiers: Orphanet 144, MedGen C4552100, MONDO:0005835. Disease mechanism: loss of function.
Endometrial carcinoma. Also called: Endometrial carcinoma, somatic. Identifiers: MedGen C0476089, MONDO:0002447, OMIM 608089, HP:0012114.

Allele frequency attached by ClinVar (database versions not stated): gnomAD 0.00001; TOPMed 0.00001; gnomAD exomes below 0.00001; ExAC 0.00002.

Submissions (7):

Labcorp Genetics (formerly Invitae), Labcorp
Classification: Likely benign for Hereditary nonpolyposis colorectal neoplasms. Last evaluated: 2026-01-05. Review status: criteria provided, single submitter. Criteria: Invitae Variant Classification Sherloc (09022015). Collection method: clinical testing. Allele origin: germline.

Dasa
Classification: Uncertain significance. Last evaluated: 2025-07-23. Review status: criteria provided, single submitter. Criteria: DASA Assertion Criteria. Collection method: clinical testing. Allele origin: germline.
Comment: NM_000179.3(MSH6):c.3782C>T (p.Ala1261Val) is a missense variant that results in the substitution of alanine with valine. This variant is rare in population databases. Computational prediction algorithms are consistent with a benign effect. The currently available literature and clinical evidence are not sufficient to establish a definitive association between this variant and the reported condition. Therefore, this variant is classified as a variant of uncertain significance.

Ambry Genetics
Classification: Uncertain significance for Hereditary cancer-predisposing syndrome. Last evaluated: 2025-04-02. Review status: criteria provided, single submitter. Criteria: Ambry Variant Classification Scheme 2023. Collection method: clinical testing. Allele origin: germline.
Comment: The p.A1261V variant (also known as c.3782C>T), located in coding exon 8 of the MSH6 gene, results from a C to T substitution at nucleotide position 3782. The alanine at codon 1261 is replaced by valine, an amino acid with similar properties. This variant was observed in an individual with early onset-breast cancer amongst a cohort of 1781 non-Ashkenazi Jewish individuals undergoing BRCA1/2 gene testing based on a personal history of breast cancer (Tung N et al. Cancer, 2015 Jan;121:25-33). This amino acid position is well conserved in available vertebrate species. In addition, the in silico prediction for this alteration is inconclusive. Since supporting evidence is limited at this time, the clinical significance of this alteration remains unclear.

Baylor Genetics
Classification: Uncertain significance for Endometrial carcinoma. Last evaluated: 2024-02-09. Review status: criteria provided, single submitter. Criteria: ACMG Guidelines, 2015. Collection method: clinical testing. Allele origin: unknown.

All of Us Research Program, National Institutes of Health
Classification: Uncertain significance for Lynch syndrome. Last evaluated: 2023-06-26. Review status: criteria provided, single submitter. Criteria: ACMG Guidelines, 2015. Collection method: clinical testing. Allele origin: germline. Inheritance: Autosomal dominant inheritance. Observed: 1 variant allele, 1 heterozygote.
Comment: This missense variant replaces alanine with valine at codon 1261 of the MSH6 protein. Computational prediction suggests that this variant may not impact protein structure and function (internally defined REVEL score threshold <= 0.5, PMID: 27666373). To our knowledge, functional studies have not been reported for this variant. This variant has been reported in an individual affected with early onset breast cancer (PMID: 25186627). This variant has been identified in 1/251220 chromosomes in the general population by the Genome Aggregation Database (gnomAD). The available evidence is insufficient to determine the role of this variant in disease conclusively. Therefore, this variant is classified as a Variant of Uncertain Significance.

This study involves interpretation of variants in research participants for the purpose of population health screening. Participant phenotype was not available at the time of variant classification. Additional details can be found in publication PMID: 35346344, PMCID: PMC8962531

Color Diagnostics, LLC DBA Color Health
Classification: Uncertain significance for Hereditary cancer-predisposing syndrome. Last evaluated: 2023-05-09. Review status: criteria provided, single submitter. Criteria: ACMG Guidelines, 2015. Collection method: clinical testing. Allele origin: germline.
Comment: This missense variant replaces alanine with valine at codon 1261 of the MSH6 protein. Computational prediction suggests that this variant may not impact protein structure and function (internally defined REVEL score threshold <= 0.5, PMID: 27666373). To our knowledge, functional studies have not been reported for this variant. This variant has been reported in an individual affected with early onset breast cancer (PMID: 25186627). This variant has been identified in 1/251220 chromosomes in the general population by the Genome Aggregation Database (gnomAD). The available evidence is insufficient to determine the role of this variant in disease conclusively. Therefore, this variant is classified as a Variant of Uncertain Significance.

Women's Health and Genetics/Laboratory Corporation of America, LabCorp
Classification: Uncertain significance. Last evaluated: 2021-05-26. Review status: criteria provided, single submitter. Criteria: LabCorp Variant Classification Summary - May 2015. Collection method: clinical testing. Allele origin: germline.
Comment: Variant summary: MSH6 c.3782C>T (p.Ala1261Val) results in a non-conservative amino acid change located in the DNA mismatch repair protein MutS, C-terminal domain (IPR000432) of the encoded protein sequence. Three of five in-silico tools predict a benign effect of the variant on protein function. The variant allele was found at a frequency of 4e-06 in 251220 control chromosomes (gnomAD). The available data on variant occurrences in the general population are insufficient to allow any conclusion about variant significance. c.3782C>T has been reported in the literature in one individual affected with breast cancer (Tung_2014). The report does not provide unequivocal conclusions about association of the variant with Hereditary Nonpolyposis Colorectal Cancer. To our knowledge, no experimental evidence demonstrating an impact on protein function has been reported. Three ClinVar submitters (evaluation after 2014) cite the variant as uncertain significance. Based on the evidence outlined above, the variant was classified as uncertain significance.

Literature cited by the submitters: PubMed 25186627 (cited by 4 submitters).

NM_000179.3(MSH6):c.3782C>T (p.Ala1261Val)

Gene: MSH6 (mutS homolog 6; plus strand). Cytogenetic location: 2p16.3.
Variant type: single nucleotide variant.
Coding change: c.3782C>T on transcript NM_000179.3 (MANE Select); coding-DNA position 3782, C replaced by T.
Protein change: p.Ala1261Val; replaces alanine 1261 with valine.
Molecular consequence: missense variant.
Genome position (GRCh38, 1-based): chr2:47,806,339, C>T. VCF-style: chr2-47806339-C-T. GRCh37 (hg19) VCF-style: chr2-48033478-C-T.
Other names: c.3392C>T, p.Ala1131Val (NM_001281492.2); c.2876C>T, p.Ala959Val (NM_001281493.2, NM_001281494.2); short protein forms A1261V, A959V, A1131V.
Identifiers: ClinVar variation 185667 (VCV000185667.26), dbSNP rs773171352, ClinGen allele CA014254.